The following is an entry in ClinVar:

NM_000553.6(WRN):c.1413A>C (p.Leu471Phe)

Gene: WRN (WRN RecQ like helicase; plus strand). Cytogenetic location: 8p12.
Variant type: single nucleotide variant.
Coding change: c.1413A>C on transcript NM_000553.6 (MANE Select); coding-DNA position 1413, A replaced by C.
Protein change: p.Leu471Phe; replaces leucine 471 with phenylalanine.
Molecular consequence: missense variant.
Genome position (GRCh38, 1-based): chr8:31,085,228, A>C. VCF-style: chr8-31085228-A-C. GRCh37 (hg19) VCF-style: chr8-30942744-A-C.
Other names: short protein forms L471F.
Identifiers: ClinVar variation 135415 (VCV000135415.4), dbSNP rs587778745, ClinGen allele CA162692.
Genomic context (GRCh38, chr8:31,085,228, plus strand): 5'-TTTATCTCCCAATGATAATGAAAACGATACGTCCTATGTAATTGAGAGTGATGAAGATTT[A>C]GAAATGGAGATGCTTAAGGTATGTTTACAATTATAAAAACATTACTTCAAGTTCTTTCCA-3'
Protein context (NP_000544.2, residues 461-481): TSYVIESDED[Leu471Phe]EMEMLKSLEN

ClinVar aggregate classification (germline): Uncertain significance. Review status: criteria provided, single submitter (1 of 4 stars). 2 submissions from 2 submitters: Uncertain significance (1). 1 of the submissions does not count toward it. Last evaluated 2023-03-22.

Conditions:
Werner syndrome (WRN). Identifiers: Orphanet 902, MedGen C0043119, MONDO:0010196, OMIM 277700.

Submissions (2):

Labcorp Genetics (formerly Invitae), Labcorp
Classification: Uncertain significance for Werner syndrome. Last evaluated: 2023-03-22. Review status: criteria provided, single submitter. Criteria: Invitae Variant Classification Sherloc (09022015). Collection method: clinical testing. Allele origin: germline.
Comment: An algorithm developed to predict the effect of missense changes on protein structure and function (PolyPhen-2) suggests that this variant is likely to be tolerated. ClinVar contains an entry for this variant (Variation ID: 135415). In summary, the available evidence is currently insufficient to determine the role of this variant in disease. Therefore, it has been classified as a Variant of Uncertain Significance. This sequence change replaces leucine, which is neutral and non-polar, with phenylalanine, which is neutral and non-polar, at codon 471 of the WRN protein (p.Leu471Phe). This variant is not present in population databases (gnomAD no frequency). This variant has not been reported in the literature in individuals affected with WRN-related conditions.

ITMI
No classification provided. Condition: AllHighlyPenetrant. Last evaluated: 2013-09-19. Review status: no classification provided. Collection method: reference population. Allele origin: germline. Not counted in ClinVar's aggregate classification.
Comment: Please see associated publication for description of ethnicities

Literature cited by the submitters: PubMed 24728327 (cited by ITMI).